The following is an entry in ClinVar:

ClinVar aggregate classification (germline): Benign/Likely benign. Review status: criteria provided, multiple submitters, no conflicts (2 of 4 stars). 4 submissions from 4 submitters: Benign (1); Likely benign (2). 1 of the submissions does not count toward it. Last evaluated 2024-04-04.

Conditions:
Tramadol response. Also called: Ultram response. Identifiers: MedGen CN078023.

Allele frequency attached by ClinVar (database versions not stated): 1000 Genomes Project 30x 0.40412; TOPMed 0.42189; gnomAD 0.42305 and 0.42282.

Submissions (4):

Labcorp Genetics (formerly Invitae), Labcorp
Classification: Benign. Last evaluated: 2024-04-04. Review status: criteria provided, single submitter. Criteria: Invitae Variant Classification Sherloc (09022015). Collection method: clinical testing. Allele origin: germline.

GeneDx
Classification: Likely benign. Last evaluated: 2018-03-09. Review status: criteria provided, single submitter. Criteria: GeneDx Variant Classification (06012015). Collection method: clinical testing. Allele origin: germline. Affected: yes.
Comment: This variant is considered likely benign or benign based on one or more of the following criteria: it is a conservative change, it occurs at a poorly conserved position in the protein, it is predicted to be benign by multiple in silico algorithms, and/or has population frequency not consistent with disease.

Breakthrough Genomics
Classification: Likely benign. Review status: criteria provided, single submitter. Criteria: ACMG Guidelines, 2015. Collection method: not provided. Allele origin: germline. Inheritance: Autosomal recessive inheritance. Affected: yes.

Bruce Budowle Laboratory, University of North Texas Health Science Center
Classification: drug response for Tramadol response. Last evaluated: 2018-04-28. Review status: no assertion criteria provided. Collection method: research. Allele origin: somatic. Affected: yes. Observed: 34 variant alleles. Not counted in ClinVar's aggregate classification.

NM_000106.6(CYP2D6):c.1457= (p.Ser486=)

Gene: CYP2D6 (cytochrome P450 family 2 subfamily D member 6 (gene/pseudogene); minus strand). Cytogenetic location: 22q13.2.
Variant type: single nucleotide variant.
Coding change: c.1457= on transcript NM_000106.6 (MANE Select); coding-DNA position 1457, no change from the reference sequence.
Protein change: p.Ser486=; no amino-acid change (serine 486 retained).
Molecular consequence: no sequence alteration.
Genome position: GRCh38 VCF-style: chr22-42126611-C-C. GRCh37 (hg19) VCF-style: chr22-42522613-G-C.
Other names: c.1457=, p.Ser486= (LRG_303t1); c.1304=, p.Ser435= (NM_001025161.3).
Identifiers: ClinVar variation 516889 (VCV000516889.6), dbSNP rs1135840.